The following is an entry in ClinVar:

NM_014668.4(GREB1):c.3435C>T (p.Ser1145=)

Gene: GREB1 (growth regulating estrogen receptor binding 1; plus strand). Cytogenetic location: 2p25.1.
Variant type: single nucleotide variant.
Coding change: c.3435C>T on transcript NM_014668.4 (MANE Select); coding-DNA position 3435, C replaced by T.
Protein change: p.Ser1145=; no amino-acid change (serine 1145 retained).
Molecular consequence: synonymous variant.
Genome position (GRCh38, 1-based): chr2:11,618,310, C>T. VCF-style: chr2-11618310-C-T. GRCh37 (hg19) VCF-style: chr2-11758436-C-T.
Identifiers: ClinVar variation 2650682 (VCV002650682.24), dbSNP rs201632670, ClinGen allele CA1532187.

ClinVar aggregate classification (germline): Likely benign (1 of 4 stars; one submission).

Allele frequency attached by ClinVar (database versions not stated): 1000 Genomes Project 0.00020; ESP Exome Variant Server 0.00048; gnomAD 0.00051; TOPMed 0.00066; ExAC 0.00074.
gnomAD v4.1: 902 of 1,574,306 alleles (0.057%); highest among the groups gnomAD compares: Middle Eastern, 0.29%; 4 homozygotes.

Submission:

CeGaT Center for Human Genetics Tuebingen
Classification: Likely benign. Last evaluated: 2023-04-01. Review status: criteria provided, single submitter. Criteria: CeGaT Center For Human Genetics Tuebingen Variant Classification Criteria Version 2. Collection method: clinical testing. Allele origin: germline. Affected: yes. Observed: 1 variant allele.
Comment: GREB1: BP4, BP7